The following is an entry in ClinVar:

ClinVar aggregate classification (germline): Pathogenic (1 of 4 stars; one submission).

Conditions:
Dilated cardiomyopathy 1DD (CMD1DD). Identifiers: Orphanet 154, MedGen C2750995, MONDO:0013168, OMIM 613172.

Submission:

Labcorp Genetics (formerly Invitae), Labcorp
Classification: Pathogenic for Dilated cardiomyopathy 1DD. Last evaluated: 2025-11-21. Review status: criteria provided, single submitter. Criteria: Invitae Variant Classification Sherloc (09022015). Collection method: clinical testing. Allele origin: germline.
Comment: This sequence change creates a premature translational stop signal (p.Thr950Lysfs*4) in the RBM20 gene. It is expected to result in an absent or disrupted protein product. Loss-of-function variants in RBM20 are known to be pathogenic (PMID: 20590677, 22004663, 38288598, 38510713, 40339755). This variant is not present in population databases (gnomAD no frequency). This variant has not been reported in the literature in individuals affected with RBM20-related conditions. ClinVar contains an entry for this variant (Variation ID: 3707772). For these reasons, this variant has been classified as Pathogenic.

Literature cited by the submitters: PubMed 20590677; PubMed 22004663; PubMed 38288598; PubMed 38510713; PubMed 40339755.

NM_001134363.3(RBM20):c.2849del (p.Thr950fs)

Gene: RBM20 (RNA binding motif protein 20; plus strand). Cytogenetic location: 10q25.2.
Variant type: Deletion.
Coding change: c.2849del on transcript NM_001134363.3 (MANE Select); coding-DNA position 2849, one base deleted (C; older notation c.2849delC).
Protein change: p.Thr950fs; shifts the reading frame from threonine 950.
Molecular consequence: frameshift variant.
Genome position (GRCh38, 1-based): chr10:110,821,468, C deleted. VCF-style (leftmost placement, unchanged base first): chr10-110821467-AC-A. GRCh37 (hg19) VCF-style: chr10-112581225-AC-A.
Other names: short protein forms T950fs.
Identifiers: ClinVar variation 3707772 (VCV003707772.2).
Genomic context (GRCh38, chr10:110,821,467, plus strand): 5'-GAAGAAATTGTGCCCATTGACCAGAAAGACAAAATTTGCCCAGAAACATGTCTGTGTGTG[AC>A]AACCACCTTAGACTTAGACCTGGCCCAGGATTTCCCCAAGGAAGGAGTCAAGGCCGTAGG-3'